The following is an entry in ClinVar:

NM_003482.4(KMT2D):c.12557C>T (p.Pro4186Leu)

Gene: KMT2D (lysine methyltransferase 2D; minus strand). Cytogenetic location: 12q13.12.
Variant type: single nucleotide variant.
Coding change: c.12557C>T on transcript NM_003482.4 (MANE Select); coding-DNA position 12557, C replaced by T.
Protein change: p.Pro4186Leu; replaces proline 4186 with leucine.
Molecular consequence: missense variant.
Genome position (GRCh38, 1-based): chr12:49,032,148, G>A on the plus strand (C>T on the coding strand, the complement: KMT2D is on the minus strand). VCF-style: chr12-49032148-G-A. GRCh37 (hg19) VCF-style: chr12-49425931-G-A.
Other names: short protein forms P4186L.
Identifiers: ClinVar variation 2663305 (VCV002663305.2), dbSNP rs371517968, ClinGen allele CA6546186.

ClinVar aggregate classification (germline): Likely benign. Review status: criteria provided, single submitter (1 of 4 stars). 2 submissions from 2 submitters: Likely benign (1). 1 of the submissions does not count toward it. Last evaluated 2023-11-15.

Conditions:
KMT2D-related disorder. Also called: KMT2D-Related Disorders.

Allele frequency attached by ClinVar (database versions not stated): TOPMed below 0.00001; ExAC 0.00001; gnomAD 0.00001; gnomAD exomes 0.00001; ESP Exome Variant Server 0.00008.

Submissions (2):

GeneDx
Classification: Likely benign. Last evaluated: 2023-11-15. Review status: criteria provided, single submitter. Criteria: GeneDx Variant Classification Process June 2021. Collection method: clinical testing. Allele origin: germline. Affected: yes.
Comment: See Variant Classification Assertion Criteria.

PreventionGenetics, part of Exact Sciences
Classification: Uncertain significance for KMT2D-related condition. Last evaluated: 2024-04-18. Review status: no assertion criteria provided. Collection method: clinical testing. Allele origin: germline. Not counted in ClinVar's aggregate classification.
Comment: The KMT2D c.12557C>T variant is predicted to result in the amino acid substitution p.Pro4186Leu. To our knowledge, this variant has not been reported in the literature. This variant is reported in 0.0018% of alleles in individuals of European (Non-Finnish) descent in gnomAD. At this time, the clinical significance of this variant is uncertain due to the absence of conclusive functional and genetic evidence.